The following is an entry in ClinVar:

ClinVar aggregate classification (germline): Benign (1 of 4 stars; one submission).

Allele frequency attached by ClinVar (database versions not stated): TOPMed 0.06027; gnomAD 0.06677 and 0.06843; 1000 Genomes Project 30x 0.03732; 1000 Genomes Project 0.03794.
gnomAD v4.1: 10,103 of 152,034 alleles (6.6%); highest among the groups gnomAD compares: Non-Finnish European, 9.9%; 462 homozygotes.

Submission:

GeneDx
Classification: Benign. Last evaluated: 2018-06-14. Review status: criteria provided, single submitter. Criteria: GeneDx Variant Classification (06012015). Collection method: clinical testing. Allele origin: germline. Affected: yes.
Comment: This variant is considered likely benign or benign based on one or more of the following criteria: it is a conservative change, it occurs at a poorly conserved position in the protein, it is predicted to be benign by multiple in silico algorithms, and/or has population frequency not consistent with disease.

NM_152415.3(VPS37A):c.643-251A>G

Gene: VPS37A (VPS37A subunit of ESCRT-I; plus strand). Cytogenetic location: 8p22.
Variant type: single nucleotide variant.
Coding change: c.643-251A>G on transcript NM_152415.3 (MANE Select); 251 bases into the intron before coding-DNA position 643, A replaced by G.
Molecular consequence: intron variant.
Genome position (GRCh38, 1-based): chr8:17,276,146, A>G. VCF-style: chr8-17276146-A-G. GRCh37 (hg19) VCF-style: chr8-17133655-A-G.
Other names: c.373-251A>G (NM_001363172.2, NM_001363168.1, NM_001363170.1 and 2 more transcripts); c.643-251A>G (NM_001363173.2, NM_001363167.1); c.568-251A>G (NM_001145152.2).
Identifiers: ClinVar variation 671132 (VCV000671132.1), dbSNP rs73208567, ClinGen allele CA12925960.